The following is an entry in ClinVar:

ClinVar aggregate classification (germline): Likely benign (1 of 4 stars; one submission).

gnomAD v4.1: 3 of 1,614,118 alleles (0.00019%); highest among the groups gnomAD compares: Middle Eastern, 0.016%; no homozygotes.

Submission:

Mayo Clinic Laboratories, Mayo Clinic
Classification: Likely benign. Last evaluated: 2025-03-10. Review status: criteria provided, single submitter. Criteria: ACMG Guidelines, 2015. Collection method: clinical testing. Allele origin: germline. Observed: 1 variant allele.
Comment: BP4, BP7

NM_002658.6(PLAU):c.258C>T (p.Thr86=)

Genes: PLAU (plasminogen activator, urokinase; plus strand), C10orf55 (chromosome 10 putative open reading frame 55; minus strand). Cytogenetic location: 10q22.2.
Variant type: single nucleotide variant.
Coding change: c.258C>T on transcript NM_002658.6 (MANE Select); coding-DNA position 258, C replaced by T.
Protein change: p.Thr86=; no amino-acid change (threonine 86 retained).
Molecular consequence: synonymous variant. On other transcripts: non-coding transcript variant (1), 5 prime UTR variant (3).
Genome position (GRCh38, 1-based): chr10:73,912,988, C>T. VCF-style: chr10-73912988-C-T. GRCh37 (hg19) VCF-style: chr10-75672746-C-T.
Other names: p.Thr86=; c.207C>T, p.Thr69= (NM_001145031.3); c.-1C>T (NM_001319191.2, NM_001441158.1, NM_001441159.1); c.258C>T, p.Thr86= (NM_001441154.1, NM_001441155.1, NM_001441156.1 and 2 more transcripts).
Identifiers: ClinVar variation 4683519 (VCV004683519.1).